The following is an entry in ClinVar:

ClinVar aggregate classification (germline): Uncertain significance (1 of 4 stars; one submission).

Conditions:
Inborn genetic diseases. Identifiers: MedGen C0950123, MeSH D030342.

Allele frequency attached by ClinVar (database versions not stated): TOPMed below 0.00001.

Submission:

Ambry Genetics
Classification: Uncertain significance for Inborn genetic diseases. Last evaluated: 2021-10-14. Review status: criteria provided, single submitter. Criteria: Ambry Variant Classification Scheme 2023. Collection method: clinical testing. Allele origin: germline.
Comment: The p.E502G variant (also known as c.1505A>G), located in coding exon 11 of the EPAS1 gene, results from an A to G substitution at nucleotide position 1505. The glutamic acid at codon 502 is replaced by glycine, an amino acid with similar properties. This amino acid position is conserved. In addition, the in silico prediction for this alteration is inconclusive. Since supporting evidence is limited at this time, the clinical significance of this alteration remains unclear.

NM_001430.5(EPAS1):c.1505A>G (p.Glu502Gly)

Gene: EPAS1 (endothelial PAS domain protein 1; plus strand). Cytogenetic location: 2p21.
Variant type: single nucleotide variant.
Coding change: c.1505A>G on transcript NM_001430.5 (MANE Select); coding-DNA position 1505, A replaced by G.
Protein change: p.Glu502Gly; replaces glutamic acid 502 with glycine.
Molecular consequence: missense variant.
Genome position (GRCh38, 1-based): chr2:46,378,718, A>G. VCF-style: chr2-46378718-A-G. GRCh37 (hg19) VCF-style: chr2-46605857-A-G.
Other names: short protein forms E502G.
Identifiers: ClinVar variation 1774070 (VCV001774070.2), dbSNP rs1472325968, ClinGen allele CA346704252.